The following is an entry in ClinVar:

NM_052947.4(ALPK2):c.5821G>A (p.Gly1941Ser)

Gene: ALPK2 (alpha kinase 2; minus strand). Cytogenetic location: 18q21.31.
Variant type: single nucleotide variant.
Coding change: c.5821G>A on transcript NM_052947.4 (MANE Select); coding-DNA position 5821, G replaced by A.
Protein change: p.Gly1941Ser; replaces glycine 1941 with serine.
Molecular consequence: missense variant.
Genome position (GRCh38, 1-based): chr18:58,517,027, C>T on the plus strand (G>A on the coding strand, the complement: ALPK2 is on the minus strand). VCF-style: chr18-58517027-C-T. GRCh37 (hg19) VCF-style: chr18-56184259-C-T.
Other names: short protein forms G1941S.
Identifiers: ClinVar variation 1749900 (VCV001749900.3), dbSNP rs750717625, ClinGen allele CA8976348.

ClinVar aggregate classification (germline): Uncertain significance (1 of 4 stars; one submission).

Allele frequency attached by ClinVar (database versions not stated): gnomAD exomes below 0.00001; TOPMed below 0.00001; ExAC 0.00001; gnomAD 0.00001.

Submission:

Ambry Genetics
Classification: Uncertain significance. Last evaluated: 2024-08-30. Review status: criteria provided, single submitter. Criteria: Ambry Variant Classification Scheme 2023. Collection method: clinical testing. Allele origin: germline.
Comment: The p.G1941S variant (also known as c.5821G>A), located in coding exon 8 of the ALPK2 gene, results from a G to A substitution at nucleotide position 5821. The glycine at codon 1941 is replaced by serine, an amino acid with similar properties. This amino acid position is conserved. In addition, this alteration is predicted to be tolerated by in silico analysis. Since supporting evidence is limited at this time, the clinical significance of this alteration remains unclear.